The following is an entry in ClinVar:

ClinVar aggregate classification (germline): Uncertain significance (1 of 4 stars; one submission).

Allele frequency attached by ClinVar (database versions not stated): TOPMed below 0.00001.

Submission:

Labcorp Genetics (formerly Invitae), Labcorp
Classification: Uncertain significance. Last evaluated: 2022-04-24. Review status: criteria provided, single submitter. Criteria: Invitae Variant Classification Sherloc (09022015). Collection method: clinical testing. Allele origin: germline.
Comment: This sequence change replaces leucine, which is neutral and non-polar, with phenylalanine, which is neutral and non-polar, at codon 104 of the NPHS2 protein (p.Leu104Phe). This variant is not present in population databases (gnomAD no frequency). This variant has not been reported in the literature in individuals affected with NPHS2-related conditions. Advanced modeling of protein sequence and biophysical properties (such as structural, functional, and spatial information, amino acid conservation, physicochemical variation, residue mobility, and thermodynamic stability) performed at Invitae indicates that this missense variant is not expected to disrupt NPHS2 protein function. In summary, the available evidence is currently insufficient to determine the role of this variant in disease. Therefore, it has been classified as a Variant of Uncertain Significance.

NM_014625.4(NPHS2):c.310C>T (p.Leu104Phe)

Gene: NPHS2 (NPHS2 stomatin family member, podocin; minus strand). Cytogenetic location: 1q25.2.
Variant type: single nucleotide variant.
Coding change: c.310C>T on transcript NM_014625.4 (MANE Select); coding-DNA position 310, C replaced by T.
Protein change: p.Leu104Phe; replaces leucine 104 with phenylalanine.
Molecular consequence: missense variant.
Genome position (GRCh38, 1-based): chr1:179,564,758, G>A on the plus strand (C>T on the coding strand, the complement: NPHS2 is on the minus strand). VCF-style: chr1-179564758-G-A. GRCh37 (hg19) VCF-style: chr1-179533893-G-A.
Other names: c.310C>T, p.Leu104Phe (NM_001297575.2); short protein forms L104F.
Identifiers: ClinVar variation 2201903 (VCV002201903.1), dbSNP rs1674273482, ClinGen allele CA343571017.